The following is an entry in ClinVar:

ClinVar aggregate classification (germline): Uncertain significance (1 of 4 stars; one submission).

Conditions:
Hereditary cancer-predisposing syndrome. Also called: Hereditary Cancer Syndrome; Hereditary neoplastic syndrome; Tumor predisposition; Neoplastic Syndromes, Hereditary. Identifiers: Orphanet 140162, MedGen C0027672, MeSH D009386, MONDO:0015356.

Submission:

Ambry Genetics
Classification: Uncertain significance for Hereditary cancer-predisposing syndrome. Last evaluated: 2024-11-25. Review status: criteria provided, single submitter. Criteria: Ambry Variant Classification Scheme 2023. Collection method: clinical testing. Allele origin: germline.
Comment: The p.A61T variant (also known as c.181G>A), located in coding exon 4 of the MAX gene, results from a G to A substitution at nucleotide position 181. The alanine at codon 61 is replaced by threonine, an amino acid with similar properties. This amino acid position is highly conserved in available vertebrate species. In addition, this alteration is predicted to be deleterious by in silico analysis. Based on the available evidence, the clinical significance of this variant remains unclear.

NM_002382.5(MAX):c.181G>A (p.Ala61Thr)

Gene: MAX (MYC associated transcriptional regulator X; minus strand). Cytogenetic location: 14q23.3.
Variant type: single nucleotide variant.
Coding change: c.181G>A on transcript NM_002382.5 (MANE Select); coding-DNA position 181, G replaced by A.
Protein change: p.Ala61Thr; replaces alanine 61 with threonine.
Molecular consequence: missense variant. On other transcripts: 5 prime UTR variant (6), non-coding transcript variant (7), intron variant (2).
Genome position (GRCh38, 1-based): chr14:65,078,027, C>T on the plus strand (G>A on the coding strand, the complement: MAX is on the minus strand). VCF-style: chr14-65078027-C-T. GRCh37 (hg19) VCF-style: chr14-65544745-C-T.
Other names: c.-94G>A (NM_001320415.2, NM_001407105.1, NM_001407106.1 and 1 more transcripts); c.181G>A, p.Ala61Thr (NM_001407094.1, NM_001407096.1, NM_001407097.1 and 3 more transcripts); c.154G>A, p.Ala52Thr (NM_001407095.1, NM_001407099.1, NM_001407100.1 and 6 more transcripts); c.73G>A, p.Ala25Thr (NM_001407098.1); c.-187G>A (NM_001407111.1, NM_001407112.1); c.144+15681G>A (NM_001271069.2); c.171+15681G>A (NM_197957.4); short protein forms A25T, A52T, A61T.
Identifiers: ClinVar variation 3543701 (VCV003543701.1).
Genomic context (GRCh38, chr14:65,078,027, plus strand): 5'-GTGTGTGGTTTTTCCTTCGCATATACTGGATATATTCTGTGGCTTTGTCTAGGATTTGGG[C>T]CCGGGATGCCTGTGGCAATATGAGAAAAAGCACAGGGGACAAAATAAAAACCCAATCCAG-3'
Protein context (NP_002373.3, residues 51-71): PSLQGEKASR[Ala61Thr]QILDKATEYI